The following is an entry in ClinVar:

ClinVar aggregate classification (germline): Conflicting classifications of pathogenicity. Review status: criteria provided, conflicting classifications (1 of 4 stars). 2 submissions from 2 submitters: Uncertain significance (1); Likely benign (1). Last evaluated 2023-03-23.

Conditions:
Hereditary cancer-predisposing syndrome. Also called: Neoplastic Syndromes, Hereditary; Tumor predisposition; Hereditary Cancer Syndrome; Hereditary neoplastic syndrome. Identifiers: Orphanet 140162, MedGen C0027672, MeSH D009386, MONDO:0015356.

Submissions (2):

University of Washington Department of Laboratory Medicine, University of Washington
Classification: Likely benign for Hereditary cancer-predisposing syndrome. Last evaluated: 2023-03-23. Review status: criteria provided, single submitter. Criteria: Dines et al. (Genet Med. 2020). Collection method: curation. Allele origin: germline.
Comment: Missense variant in a coldspot region where missense variants are very unlikely to be pathogenic (PMID:31911673).

BRCA2 exon 11 coldspot. Reclassification based on statistical prior probability.

Ambry Genetics
Classification: Uncertain significance for Hereditary cancer-predisposing syndrome. Last evaluated: 2022-05-17. Review status: criteria provided, single submitter. Criteria: Ambry Variant Classification Scheme 2023. Collection method: clinical testing. Allele origin: germline.
Comment: The p.E2139D variant (also known as c.6417A>C), located in coding exon 10 of the BRCA2 gene, results from an A to C substitution at nucleotide position 6417. The glutamic acid at codon 2139 is replaced by aspartic acid, an amino acid with highly similar properties. This amino acid position is conserved. In addition, this alteration is predicted to be tolerated by in silico analysis. Since supporting evidence is limited at this time, the clinical significance of this alteration remains unclear.

NM_000059.4(BRCA2):c.6417A>C (p.Glu2139Asp)

Gene: BRCA2 (BRCA2 DNA repair associated; plus strand). Cytogenetic location: 13q13.1.
Variant type: single nucleotide variant.
Coding change: c.6417A>C on transcript NM_000059.4 (MANE Select); coding-DNA position 6417, A replaced by C.
Protein change: p.Glu2139Asp; replaces glutamic acid 2139 with aspartic acid.
Molecular consequence: missense variant.
Genome position (GRCh38, 1-based): chr13:32,340,772, A>C. VCF-style: chr13-32340772-A-C. GRCh37 (hg19) VCF-style: chr13-32914909-A-C.
Other names: c.6417A>C, p.Glu2139Asp (NM_001406719.1, NM_001406720.1); short protein forms E2139D.
Identifiers: ClinVar variation 1753409 (VCV001753409.4), dbSNP rs1425360495, ClinGen allele CA387789270.
Genomic context (GRCh38, chr13:32,340,772, plus strand): 5'-CTCAGAAATGGAAAAAACCTGCAGTAAAGAATTTAAATTATCAAATAACTTAAATGTTGA[A>C]GGTGGTTCTTCAGAAAATAATCACTCTATTAAAGTTTCTCCATATCTCTCTCAATTTCAA-3'
Protein context (NP_000050.3, residues 2129-2149): EFKLSNNLNV[Glu2139Asp]GGSSENNHSI